The following is an entry in ClinVar:

ClinVar aggregate classification (germline): Likely benign. Review status: criteria provided, multiple submitters, no conflicts (2 of 4 stars). 3 submissions from 3 submitters: Likely benign (2). 1 of the submissions does not count toward it. Last evaluated 2026-05-14.

Conditions:
CNNM2-related disorder. Also called: CNNM2-related condition.

gnomAD v4.1: 9 of 1,614,232 alleles (0.00056%); highest among the groups gnomAD compares: African/African-American, 0.0053%; no homozygotes.

Submissions (3):

Revvity Omics, Revvity
Classification: Likely benign. Last evaluated: 2026-05-14. Review status: criteria provided, single submitter. Criteria: ACMG Guidelines, 2015. Collection method: clinical testing. Allele origin: germline.

Labcorp Genetics (formerly Invitae), Labcorp
Classification: Likely benign. Last evaluated: 2024-11-05. Review status: criteria provided, single submitter. Criteria: Invitae Variant Classification Sherloc (09022015). Collection method: clinical testing. Allele origin: germline.

PreventionGenetics, part of Exact Sciences
Classification: Likely benign for CNNM2-related condition. Last evaluated: 2019-03-01. Review status: no assertion criteria provided. Collection method: clinical testing. Allele origin: germline. Not counted in ClinVar's aggregate classification.
Comment: This variant is classified as likely benign based on ACMG/AMP sequence variant interpretation guidelines (Richards et al. 2015 PMID: 25741868, with internal and published modifications).

NM_017649.5(CNNM2):c.1485G>A (p.Leu495=)

Gene: CNNM2 (cyclin and CBS domain divalent metal cation transport mediator 2; plus strand). Cytogenetic location: 10q24.32.
Variant type: single nucleotide variant.
Coding change: c.1485G>A on transcript NM_017649.5 (MANE Select); coding-DNA position 1485, G replaced by A.
Protein change: p.Leu495=; no amino-acid change (leucine 495 retained).
Molecular consequence: synonymous variant.
Genome position (GRCh38, 1-based): chr10:102,919,965, G>A. VCF-style: chr10-102919965-G-A. GRCh37 (hg19) VCF-style: chr10-104679722-G-A.
Other names: c.1485G>A, p.Leu495= (NM_199076.3, NM_199077.3); c.1485G>A (NM_017649.4).
Identifiers: ClinVar variation 1921056 (VCV001921056.8), dbSNP rs369230465, ClinGen allele CA471304490.